The following is an entry in ClinVar:

NM_001034853.2(RPGR):c.2594_2596del (p.Gly865del)

Gene: RPGR (retinitis pigmentosa GTPase regulator; minus strand). Cytogenetic location: Xp11.4.
Variant type: Deletion.
Coding change: c.2594_2596del on transcript NM_001034853.2 (MANE Select); coding-DNA positions 2594 to 2596, 3 bases deleted (GAG; older notation c.2594_2596delGAG).
Protein change: p.Gly865del; deletes glycine 865.
Molecular consequence: inframe deletion. On other transcripts: intron variant (8).
Genome position (GRCh38, 1-based): chrX:38,286,403-38,286,405, CTC deleted on the plus strand (GAG on the coding strand, the reverse complement: RPGR is on the minus strand); deleting any 3 consecutive bases within chrX:38,286,403-38,286,407 gives the same sequence; the c. name uses the placement nearest the transcript's 3' end. VCF-style (leftmost placement, unchanged base first): chrX-38286402-TCTC-T. GRCh37 (hg19) VCF-style: chrX-38145655-TCTC-T.
Other names: c.1569+4554_1569+4556del (NM_001367249.1, NM_001367250.1); c.1902+689_1902+691del (NM_001367245.1); c.1386+4554_1386+4556del (NM_001367251.1); c.1719+689_1719+691del (NM_001367246.1); c.1572+4554_1572+4556del (NM_001367247.1); c.1905+689_1905+691del (NM_000328.3); c.1602+4554_1602+4556del (NM_001367248.1); c.2594_2596delGAG (NM_001034853.1); short protein forms G865del.
Identifiers: ClinVar variation 1491495 (VCV001491495.10), dbSNP rs771584745, ClinGen allele CA10385263.

ClinVar aggregate classification (germline): Conflicting classifications of pathogenicity. Review status: criteria provided, conflicting classifications (1 of 4 stars). 3 submissions from 3 submitters: Uncertain significance (1); Likely benign (1). 1 of the submissions does not count toward it. Last evaluated 2026-01-19.

Conditions:
RPGR-related disorder. Also called: RPGR-related condition.
Primary ciliary dyskinesia. Also called: Ciliary dyskinesia. Identifiers: Orphanet 244, MedGen C0008780, MONDO:0016575, HP:0012265.

Submissions (3):

Labcorp Genetics (formerly Invitae), Labcorp
Classification: Uncertain significance for Primary ciliary dyskinesia. Last evaluated: 2026-01-19. Review status: criteria provided, single submitter. Criteria: Invitae Variant Classification Sherloc (09022015). Collection method: clinical testing. Allele origin: germline.
Comment: This variant, c.2594_2596del, results in the deletion of 1 amino acid(s) of the RPGR (ORF15) protein (p.Gly865del), but otherwise preserves the integrity of the reading frame. The frequency data for this variant in the population databases is considered unreliable, as metrics indicate insufficient coverage at this position in the gnomAD database. This variant has not been reported in the literature in individuals affected with RPGR (ORF15)-related conditions. ClinVar contains an entry for this variant (Variation ID: 1491495). Experimental studies and prediction algorithms are not available or were not evaluated, and the functional significance of this variant is currently unknown. In summary, the available evidence is currently insufficient to determine the role of this variant in disease. Therefore, it has been classified as a Variant of Uncertain Significance.

Blueprint Genetics
Classification: Likely benign. Last evaluated: 2024-11-13. Review status: criteria provided, single submitter. Criteria: ACMG Guidelines, 2015. Collection method: clinical testing. Allele origin: germline.

PreventionGenetics, part of Exact Sciences
Classification: Likely benign for RPGR-related condition. Last evaluated: 2024-09-27. Review status: no assertion criteria provided. Collection method: clinical testing. Allele origin: germline. Not counted in ClinVar's aggregate classification.
Comment: This variant is classified as likely benign based on ACMG/AMP sequence variant interpretation guidelines (Richards et al. 2015 PMID: 25741868, with internal and published modifications).